The following is an entry in ClinVar:

ClinVar aggregate classification (germline): Likely benign (0 of 4 stars; one submission).

Conditions:
SP8-related disorder. Also called: SP8-related condition.

Submission:

PreventionGenetics, part of Exact Sciences
Classification: Likely benign for SP8-related condition. Last evaluated: 2020-03-19. Review status: no assertion criteria provided. Collection method: clinical testing. Allele origin: germline.
Comment: This variant is classified as likely benign based on ACMG/AMP sequence variant interpretation guidelines (Richards et al. 2015 PMID: 25741868, with internal and published modifications).

NM_182700.6(SP8):c.267G>A (p.Ala89=)

Gene: SP8 (Sp8 transcription factor; minus strand). Cytogenetic location: 7p21.1.
Variant type: single nucleotide variant.
Coding change: c.267G>A on transcript NM_182700.6 (MANE Select); coding-DNA position 267, G replaced by A.
Protein change: p.Ala89=; no amino-acid change (alanine 89 retained).
Molecular consequence: synonymous variant.
Genome position (GRCh38, 1-based): chr7:20,785,550, C>T on the plus strand (G>A on the coding strand, the complement: SP8 is on the minus strand). VCF-style: chr7-20785550-C-T. GRCh37 (hg19) VCF-style: chr7-20825169-C-T.
Other names: c.213G>A, p.Ala71= (NM_198956.4).
Identifiers: ClinVar variation 3042119 (VCV003042119.2), dbSNP rs370737007, ClinGen allele CA454137837.